The following is an entry in ClinVar:

ClinVar aggregate classification (germline): Uncertain significance (1 of 4 stars; one submission).

gnomAD v4.1: 8 of 1,613,930 alleles (0.0005%); highest among the groups gnomAD compares: Non-Finnish European, 0.00059%; no homozygotes.

Submission:

Labcorp Genetics (formerly Invitae), Labcorp
Classification: Uncertain significance. Last evaluated: 2025-03-19. Review status: criteria provided, single submitter. Criteria: Invitae Variant Classification Sherloc (09022015). Collection method: clinical testing. Allele origin: germline.
Comment: This sequence change replaces arginine, which is basic and polar, with glutamine, which is neutral and polar, at codon 174 of the JAK1 protein (p.Arg174Gln). The frequency data for this variant in the population databases is considered unreliable, as metrics indicate poor data quality at this position in the gnomAD database. This variant has not been reported in the literature in individuals affected with JAK1-related conditions. Invitae Evidence Modeling of protein sequence and biophysical properties (such as structural, functional, and spatial information, amino acid conservation, physicochemical variation, residue mobility, and thermodynamic stability) indicates that this missense variant is not expected to disrupt JAK1 protein function with a negative predictive value of 80%. In summary, the available evidence is currently insufficient to determine the role of this variant in disease. Therefore, it has been classified as a Variant of Uncertain Significance.

NM_002227.4(JAK1):c.521G>A (p.Arg174Gln)

Gene: JAK1 (Janus kinase 1; minus strand). Cytogenetic location: 1p31.3.
Variant type: single nucleotide variant.
Coding change: c.521G>A on transcript NM_002227.4 (MANE Select); coding-DNA position 521, G replaced by A.
Protein change: p.Arg174Gln; replaces arginine 174 with glutamine.
Molecular consequence: missense variant.
Genome position (GRCh38, 1-based): chr1:64,869,437, C>T on the plus strand (G>A on the coding strand, the complement: JAK1 is on the minus strand). VCF-style: chr1-64869437-C-T. GRCh37 (hg19) VCF-style: chr1-65335120-C-T.
Other names: c.521G>A, p.Arg174Gln (NM_001320923.2, NM_001321852.2, NM_001321853.2 and 4 more transcripts); short protein forms R174Q.
Identifiers: ClinVar variation 4768390 (VCV004768390.1).
Genomic context (GRCh38, chr1:64,869,437, plus strand): 5'-ACAGCCATCCCTAGACACTCGTTCTCAATATCATGTCCATCCTGCTCGGTCTTGGGGTCT[C>T]GAATAGGAGCCAGGCATTTCACCAAATCATACTGTCCCTAGGAGCAAGGGGGAGAAACCA-3'
Protein context (NP_002218.2, residues 164-184): YDLVKCLAPI[Arg174Gln]DPKTEQDGHD